The following is an entry in ClinVar:

ClinVar aggregate classification (germline): Uncertain significance. Review status: criteria provided, multiple submitters, no conflicts (2 of 4 stars). 2 submissions from 2 submitters: Uncertain significance (2). Last evaluated 2025-10-23.

Conditions:
Tuberous sclerosis syndrome (TSC). Also called: Tuberous Sclerosis Complex; Tuberous sclerosis. Identifiers: Orphanet 805, MedGen C0041341, MONDO:0001734.
Tuberous sclerosis 1 (TSC1). Identifiers: Orphanet 805, MedGen C1854465, MONDO:0008612, OMIM 191100.

Submissions (2):

Labcorp Genetics (formerly Invitae), Labcorp
Classification: Uncertain significance for Tuberous sclerosis 1. Last evaluated: 2025-10-23. Review status: criteria provided, single submitter. Criteria: Invitae Variant Classification Sherloc (09022015). Collection method: clinical testing. Allele origin: germline.
Comment: This sequence change replaces valine, which is neutral and non-polar, with isoleucine, which is neutral and non-polar, at codon 674 of the TSC1 protein (p.Val674Ile). This variant is not present in population databases (gnomAD no frequency). This variant has not been reported in the literature in individuals affected with TSC1-related conditions. ClinVar contains an entry for this variant (Variation ID: 933860). Invitae Evidence Modeling of protein sequence and biophysical properties (such as structural, functional, and spatial information, amino acid conservation, physicochemical variation, residue mobility, and thermodynamic stability) indicates that this missense variant is not expected to disrupt TSC1 protein function with a negative predictive value of 95%. In summary, the available evidence is currently insufficient to determine the role of this variant in disease. Therefore, it has been classified as a Variant of Uncertain Significance.

All of Us Research Program, National Institutes of Health
Classification: Uncertain significance for Tuberous sclerosis syndrome. Last evaluated: 2023-12-13. Review status: criteria provided, single submitter. Criteria: ACMG Guidelines, 2015. Collection method: clinical testing. Allele origin: germline. Inheritance: Autosomal dominant inheritance. Observed: 1 variant allele, 1 heterozygote.
Comment: This missense variant replaces valine with isoleucine at codon 674 of the TSC1 protein. Computational prediction suggests that this variant may not impact protein structure and function (internally defined REVEL score threshold <= 0.5, PMID: 27666373). To our knowledge, functional studies have not been reported for this variant. This variant has not been reported in individuals affected with TSC1-related disorders in the literature. This variant has not been identified in the general population by the Genome Aggregation Database (gnomAD). The available evidence is insufficient to determine the role of this variant in disease conclusively. Therefore, this variant is classified as a Variant of Uncertain Significance.

This study involves interpretation of variants in research participants for the purpose of population health screening. Participant phenotype was not available at the time of variant classification. Additional details can be found in publication PMID: 35346344, PMCID: PMC8962531

NM_000368.5(TSC1):c.2020G>A (p.Val674Ile)

Gene: TSC1 (TSC complex subunit 1; minus strand). Cytogenetic location: 9q34.13.
Variant type: single nucleotide variant.
Coding change: c.2020G>A on transcript NM_000368.5 (MANE Select); coding-DNA position 2020, G replaced by A.
Protein change: p.Val674Ile; replaces valine 674 with isoleucine.
Molecular consequence: missense variant.
Genome position (GRCh38, 1-based): chr9:132,904,432, C>T on the plus strand (G>A on the coding strand, the complement: TSC1 is on the minus strand). VCF-style: chr9-132904432-C-T. GRCh37 (hg19) VCF-style: chr9-135779819-C-T.
Other names: c.2017G>A, p.Val673Ile (NM_001162426.2); c.1867G>A, p.Val623Ile (NM_001162427.2); c.1657G>A, p.Val553Ile (NM_001362177.2); short protein forms V553I, V623I, V673I, V674I.
Identifiers: ClinVar variation 933860 (VCV000933860.10), dbSNP rs1845544758, ClinGen allele CA375361360.